The following is an entry in ClinVar:

ClinVar aggregate classification (germline): Likely pathogenic (1 of 4 stars; one submission).

Conditions:
CEDNIK syndrome. Also called: Cerebral dysgenesis, neuropathy, ichthyosis, and palmoplantar keratoderma; CEREBRAL DYSGENESIS, NEUROPATHY, ICHTHYOSIS, AND PALMOPLANTAR KERATODERMA SYNDROME. Identifiers: Orphanet 66631, MedGen C1836033, MONDO:0012290, OMIM 609528.

Submission:

First Genomix Gene Laboratory, Genetic Diagnostics Department
Classification: Likely pathogenic for CEDNIK syndrome. Last evaluated: 2025-07-16. Review status: criteria provided, single submitter. Criteria: ACMG Guidelines, 2015. Collection method: clinical testing. Allele origin: germline. Inheritance: Autosomal recessive inheritance. Affected: no. Observed: 1 variant allele.

NM_004782.4(SNAP29):c.71_96dup (p.Asp33fs)

Gene: SNAP29 (synaptosome associated protein 29; plus strand). Cytogenetic location: 22q11.21.
Variant type: Duplication.
Coding change: c.71_96dup on transcript NM_004782.4 (MANE Select); coding-DNA positions 71 to 96, 26 bases duplicated (CTTGGAGGGACGCCCGAGACCTCCCC).
Protein change: p.Asp33fs; shifts the reading frame from aspartic acid 33.
Molecular consequence: frameshift variant.
Genome position (GRCh38, 1-based): chr22:20,859,181-20,859,206, CTTGGAGGGACGCCCGAGACCTCCCC duplicated; duplicating any 26 consecutive bases within chr22:20,859,178-20,859,206 gives the same sequence; the c. name uses the placement nearest the transcript's 3' end. VCF-style (leftmost placement, unchanged base first): chr22-20859177-G-GCCCCTTGGAGGGACGCCCGAGACCTC. GRCh37 (hg19) VCF-style: chr22-21213465-G-GCCCCTTGGAGGGACGCCCGAGACCTC.
Other names: short protein forms D33fs.
Identifiers: ClinVar variation 4849365 (VCV004849365.1).
Genomic context (GRCh38, chr22:20,859,177, plus strand): 5'-GCTTACCCTAAAAGCTACAATCCGTTCGACGACGACGGGGAGGACGAAGGCGCCCGGCCG[G>GCCCCTTGGAGGGACGCCCGAGACCTC]CCCCTTGGAGGGACGCCCGAGACCTCCCCGACGGGCCCGACGCGCCCGCGGACAGGCAGC-3'